The following is an entry in ClinVar:

NM_080680.3(COL11A2):c.2032C>T (p.Pro678Ser)

Gene: COL11A2 (collagen type XI alpha 2 chain; minus strand). Cytogenetic location: 6p21.32.
Variant type: single nucleotide variant.
Coding change: c.2032C>T on transcript NM_080680.3 (MANE Select); coding-DNA position 2032, C replaced by T.
Protein change: p.Pro678Ser; replaces proline 678 with serine.
Molecular consequence: missense variant.
Genome position (GRCh38, 1-based): chr6:33,177,030, G>A on the plus strand (C>T on the coding strand, the complement: COL11A2 is on the minus strand). VCF-style: chr6-33177030-G-A. GRCh37 (hg19) VCF-style: chr6-33144807-G-A.
Other names: c.1711C>T, p.Pro571Ser (NM_080679.3); c.1774C>T, p.Pro592Ser (NM_080681.3); short protein forms P571S, P592S, P678S.
Identifiers: ClinVar variation 1715801 (VCV001715801.6), dbSNP rs1439064013, ClinGen allele CA363651930.

ClinVar aggregate classification (germline): Uncertain significance (1 of 4 stars; one submission).

Allele frequency attached by ClinVar (database versions not stated): TOPMed below 0.00001.

Submission:

Labcorp Genetics (formerly Invitae), Labcorp
Classification: Uncertain significance. Last evaluated: 2022-08-09. Review status: criteria provided, single submitter. Criteria: Invitae Variant Classification Sherloc (09022015). Collection method: clinical testing. Allele origin: germline.
Comment: This variant has not been reported in the literature in individuals affected with COL11A2-related conditions. This variant is not present in population databases (gnomAD no frequency). This sequence change replaces proline, which is neutral and non-polar, with serine, which is neutral and polar, at codon 678 of the COL11A2 protein (p.Pro678Ser). Advanced modeling of protein sequence and biophysical properties (such as structural, functional, and spatial information, amino acid conservation, physicochemical variation, residue mobility, and thermodynamic stability) performed at Invitae indicates that this missense variant is not expected to disrupt COL11A2 protein function. In summary, the available evidence is currently insufficient to determine the role of this variant in disease. Therefore, it has been classified as a Variant of Uncertain Significance.